The following is an entry in ClinVar:

ClinVar aggregate classification (germline): Uncertain significance (1 of 4 stars; one submission).

Allele frequency attached by ClinVar (database versions not stated): gnomAD exomes below 0.00001.
gnomAD v4.1: 1 of 1,597,784 alleles (0.000063%); highest among the groups gnomAD compares: Non-Finnish European, 0.000085%; no homozygotes.

Submission:

Ambry Genetics
Classification: Uncertain significance. Last evaluated: 2023-02-28. Review status: criteria provided, single submitter. Criteria: Ambry Variant Classification Scheme 2023. Collection method: clinical testing. Allele origin: germline.
Comment: The p.P1734A variant (also known as c.5200C>G), located in coding exon 39 of the PRKDC gene, results from a C to G substitution at nucleotide position 5200. The proline at codon 1734 is replaced by alanine, an amino acid with highly similar properties. This amino acid position is conserved. In addition, this alteration is predicted to be tolerated by in silico analysis. Since supporting evidence is limited at this time, the clinical significance of this alteration remains unclear.

NM_006904.7(PRKDC):c.5200C>G (p.Pro1734Ala)

Gene: PRKDC (protein kinase, DNA-activated, catalytic subunit; minus strand). Cytogenetic location: 8q11.21.
Variant type: single nucleotide variant.
Coding change: c.5200C>G on transcript NM_006904.7 (MANE Select); coding-DNA position 5200, C replaced by G.
Protein change: p.Pro1734Ala; replaces proline 1734 with alanine.
Molecular consequence: missense variant.
Genome position (GRCh38, 1-based): chr8:47,879,526, G>C on the plus strand (C>G on the coding strand, the complement: PRKDC is on the minus strand). VCF-style: chr8-47879526-G-C. GRCh37 (hg19) VCF-style: chr8-48792087-G-C.
Other names: c.5200C>G, p.Pro1734Ala (NM_001081640.2); short protein forms P1734A.
Identifiers: ClinVar variation 2449902 (VCV002449902.2), dbSNP rs2551872236, ClinGen allele CA371138327.
Genomic context (GRCh38, chr8:47,879,526, plus strand): 5'-TTACTTGATACTACTAGAAACTAACCTTTTTCATGCAGTCCACATAATTATTGAACCGCG[G>C]AGTTCCTGGAGGAAATTCCCTGGACTGCATGGGGAAGTGAGCAACGATGAGCTGCTCCAG-3'
Protein context (NP_008835.5, residues 1724-1744): MQSREFPPGT[Pro1734Ala]RFNNYVDCMK